The following is an entry in ClinVar:

ClinVar aggregate classification (germline): Uncertain significance (1 of 4 stars; one submission).

Conditions:
Norman-Roberts syndrome (LIS2). Also called: Lissencephaly 2 (Norman-Roberts type). Identifiers: Orphanet 89844, MedGen C0796089, MONDO:0009760, OMIM 257320.
Familial temporal lobe epilepsy 7. Identifiers: Orphanet 101046, MedGen C4225327, MONDO:0014639, OMIM 616436.

Allele frequency attached by ClinVar (database versions not stated): gnomAD exomes below 0.00001.
gnomAD v4.1: 1 of 1,613,018 alleles (0.000062%); highest among the groups gnomAD compares: Non-Finnish European, 0.000085%; no homozygotes.

Submission:

Labcorp Genetics (formerly Invitae), Labcorp
Classification: Uncertain significance for Familial temporal lobe epilepsy 7; Norman-Roberts syndrome. Last evaluated: 2023-08-18. Review status: criteria provided, single submitter. Criteria: Invitae Variant Classification Sherloc (09022015). Collection method: clinical testing. Allele origin: germline.
Comment: In summary, the available evidence is currently insufficient to determine the role of this variant in disease. Therefore, it has been classified as a Variant of Uncertain Significance. Advanced modeling of protein sequence and biophysical properties (such as structural, functional, and spatial information, amino acid conservation, physicochemical variation, residue mobility, and thermodynamic stability) performed at Invitae indicates that this missense variant is not expected to disrupt RELN protein function. This variant has not been reported in the literature in individuals affected with RELN-related conditions. This variant is not present in population databases (gnomAD no frequency). This sequence change replaces leucine, which is neutral and non-polar, with proline, which is neutral and non-polar, at codon 644 of the RELN protein (p.Leu644Pro).

NM_005045.4(RELN):c.1931T>C (p.Leu644Pro)

Gene: RELN (reelin; minus strand). Cytogenetic location: 7q22.1.
Variant type: single nucleotide variant.
Coding change: c.1931T>C on transcript NM_005045.4 (MANE Select); coding-DNA position 1931, T replaced by C.
Protein change: p.Leu644Pro; replaces leucine 644 with proline.
Molecular consequence: missense variant.
Genome position (GRCh38, 1-based): chr7:103,650,345, A>G on the plus strand (T>C on the coding strand, the complement: RELN is on the minus strand). VCF-style: chr7-103650345-A-G. GRCh37 (hg19) VCF-style: chr7-103290792-A-G.
Other names: c.1931T>C, p.Leu644Pro (NM_173054.3); short protein forms L644P.
Identifiers: ClinVar variation 2949911 (VCV002949911.3), dbSNP rs2484833755, ClinGen allele CA368764112.
Genomic context (GRCh38, chr7:103,650,345, plus strand): 5'-GCCCACATGTTTCCAAGGATTGGTCCTGTTTGTCTCCAGCGAATCCTGGTGTTCCGGGTT[A>G]GTGCTGCGTTAGGAAGGGGAATTGTTATTCGGTTCCACCTGCAAGAAATTTAGCACAAAA-3'
Protein context (NP_005036.2, residues 634-654): RITIPLPNAA[Leu644Pro]TRNTRIRWRQ